The following is an entry in ClinVar:

ClinVar aggregate classification (germline): Uncertain significance (1 of 4 stars; one submission).

Conditions:
Fanconi anemia (FA). Also called: Fanconi's anemia. Identifiers: Orphanet 84, MedGen C0015625, MeSH D005199, MONDO:0019391.

gnomAD v4.1: 1 of 1,613,694 alleles (0.000062%); highest among the groups gnomAD compares: East Asian, 0.0022%; no homozygotes.

Submission:

Labcorp Genetics (formerly Invitae), Labcorp
Classification: Uncertain significance for Fanconi anemia. Last evaluated: 2021-11-26. Review status: criteria provided, single submitter. Criteria: Invitae Variant Classification Sherloc (09022015). Collection method: clinical testing. Allele origin: germline.
Comment: In summary, the available evidence is currently insufficient to determine the role of this variant in disease. Therefore, it has been classified as a Variant of Uncertain Significance. Advanced modeling of protein sequence and biophysical properties (such as structural, functional, and spatial information, amino acid conservation, physicochemical variation, residue mobility, and thermodynamic stability) performed at Invitae indicates that this missense variant is not expected to disrupt FANCA protein function. ClinVar contains an entry for this variant (Variation ID: 946443). This variant has not been reported in the literature in individuals affected with FANCA-related conditions. This variant is not present in population databases (gnomAD no frequency). This sequence change replaces aspartic acid, which is acidic and polar, with histidine, which is basic and polar, at codon 999 of the FANCA protein (p.Asp999His).

NM_000135.4(FANCA):c.2995G>C (p.Asp999His)

Gene: FANCA (FA complementation group A; minus strand). Cytogenetic location: 16q24.3.
Variant type: single nucleotide variant.
Coding change: c.2995G>C on transcript NM_000135.4 (MANE Select); coding-DNA position 2995, G replaced by C.
Protein change: p.Asp999His; replaces aspartic acid 999 with histidine.
Molecular consequence: missense variant.
Genome position (GRCh38, 1-based): chr16:89,752,209, C>G on the plus strand (G>C on the coding strand, the complement: FANCA is on the minus strand). VCF-style: chr16-89752209-C-G. GRCh37 (hg19) VCF-style: chr16-89818617-C-G.
Other names: c.2995G>C, p.Asp999His (NM_001286167.3); short protein forms D999H.
Identifiers: ClinVar variation 946443 (VCV000946443.7), dbSNP rs1277218406, ClinGen allele CA397426436.